The following is an entry in ClinVar:

ClinVar aggregate classification (germline): Uncertain significance (1 of 4 stars; one submission).

Conditions:
Cardiovascular phenotype. Identifiers: MedGen CN230736.

Allele frequency attached by ClinVar (database versions not stated): gnomAD 0.00001; TOPMed 0.00001.
gnomAD v4.1: 7 of 1,613,608 alleles (0.00043%); highest among the groups gnomAD compares: African/African-American, 0.004%; no homozygotes.

Submission:

Ambry Genetics
Classification: Uncertain significance for Cardiovascular phenotype. Last evaluated: 2022-08-03. Review status: criteria provided, single submitter. Criteria: Ambry Variant Classification Scheme 2023. Collection method: clinical testing. Allele origin: germline.
Comment: The p.R530W variant (also known as c.1588C>T), located in coding exon 5 of the ALPK3 gene, results from a C to T substitution at nucleotide position 1588. The arginine at codon 530 is replaced by tryptophan, an amino acid with dissimilar properties. This amino acid position is conserved. In addition, this alteration is predicted to be tolerated by in silico analysis. Since supporting evidence is limited at this time, the clinical significance of this alteration remains unclear.

NM_020778.5(ALPK3):c.982C>T (p.Arg328Trp)

Gene: ALPK3 (alpha kinase 3; plus strand). Cytogenetic location: 15q25.3.
Variant type: single nucleotide variant.
Coding change: c.982C>T on transcript NM_020778.5 (MANE Select); coding-DNA position 982, C replaced by T.
Protein change: p.Arg328Trp; replaces arginine 328 with tryptophan.
Molecular consequence: missense variant.
Genome position (GRCh38, 1-based): chr15:84,840,261, C>T. VCF-style: chr15-84840261-C-T. GRCh37 (hg19) VCF-style: chr15-85383492-C-T.
Other names: short protein forms R328W.
Identifiers: ClinVar variation 1775845 (VCV001775845.2), dbSNP rs1963645128, ClinGen allele CA393373980.